The following is an entry in ClinVar:

ClinVar aggregate classification (germline): Pathogenic (1 of 4 stars; one submission).

Conditions:
Hereditary hyperferritinemia with congenital cataracts. Also called: Hereditary hyperferritinemia cataract syndrome; Bonneau-Beaumont syndrome; HYPERFERRITINEMIA WITH OR WITHOUT CATARACT. Identifiers: Orphanet 163, MedGen C1833213, MONDO:0010952, OMIM 600886.
Neuroferritinopathy (NBIA3). Also called: NEURODEGENERATION WITH BRAIN IRON ACCUMULATION 3; BASAL GANGLIA DISEASE, ADULT-ONSET. Identifiers: Orphanet 157846, MedGen C1853578, MONDO:0011638, OMIM 606159.

Submission:

Labcorp Genetics (formerly Invitae), Labcorp
Classification: Pathogenic for Neuroferritinopathy; Hereditary hyperferritinemia with congenital cataracts. Last evaluated: 2022-06-01. Review status: criteria provided, single submitter. Criteria: Invitae Variant Classification Sherloc (09022015). Collection method: clinical testing. Allele origin: germline.
Comment: For these reasons, this variant has been classified as Pathogenic. This variant results in an extension of the FTL protein. Other variant(s) that result in a similarly extended protein product (p.Arg154Lysfs*27) have been determined to be pathogenic (PMID: 11438811, 19781644). This suggests that these extensions are likely to be disease-causing. This variant has not been reported in the literature in individuals affected with FTL-related conditions. This variant is not present in population databases (gnomAD no frequency). This sequence change results in a frameshift in the FTL gene (p.Arg154Profs*27). While this is not anticipated to result in nonsense mediated decay, it is expected to disrupt the last 22 amino acid(s) of the FTL protein and extend the protein by 4 additional amino acid residues.

Literature cited by the submitters: PubMed 11438811; PubMed 19781644.

NM_000146.4(FTL):c.460_461delinsCCA (p.Arg154fs)

Gene: FTL (ferritin light chain; plus strand). Cytogenetic location: 19q13.33.
Variant type: Indel.
Coding change: c.460_461delinsCCA on transcript NM_000146.4 (MANE Select); coding-DNA positions 460 to 461, AG replaced by CCA.
Protein change: p.Arg154fs; shifts the reading frame from arginine 154.
Molecular consequence: frameshift variant.
Genome position (GRCh38, 1-based): chr19:48,966,667-48,966,668, AG replaced by CCA. VCF-style: chr19-48966667-AG-CCA. GRCh37 (hg19) VCF-style: chr19-49469924-AG-CCA.
Other names: short protein forms R154fs.
Identifiers: ClinVar variation 2041512 (VCV002041512.4), dbSNP rs2513696390, ClinGen allele CA2580097521.
Genomic context (GRCh38, chr19:48,966,667, plus strand): 5'-TTCCTAGATGAGGAAGTGAAGCTTATCAAGAAGATGGGTGACCACCTGACCAACCTCCAC[AG>CCA]GCTGGGTGGCCCGGAGGCTGGGCTGGGCGAGTATCTCTTCGAAAGGCTCACTCTCAAGCA-3'